The following is an entry in ClinVar:

ClinVar aggregate classification (germline): Uncertain significance (1 of 4 stars; one submission).

Conditions:
Autosomal dominant polycystic kidney disease. Identifiers: Orphanet 730, MedGen C0085413, MONDO:0004691.

Submission:

Labcorp Genetics (formerly Invitae), Labcorp
Classification: Uncertain significance for Autosomal dominant polycystic kidney disease. Last evaluated: 2025-07-27. Review status: criteria provided, single submitter. Criteria: Invitae Variant Classification Sherloc (09022015). Collection method: clinical testing. Allele origin: germline.
Comment: This sequence change replaces serine, which is neutral and polar, with arginine, which is basic and polar, at codon 808 of the PKD2 protein (p.Ser808Arg). This variant is not present in population databases (gnomAD no frequency). This variant has not been reported in the literature in individuals affected with PKD2-related conditions. Invitae Evidence Modeling of protein sequence and biophysical properties (such as structural, functional, and spatial information, amino acid conservation, physicochemical variation, residue mobility, and thermodynamic stability) indicates that this missense variant is not expected to disrupt PKD2 protein function with a negative predictive value of 80%. In summary, the available evidence is currently insufficient to determine the role of this variant in disease. Therefore, it has been classified as a Variant of Uncertain Significance.

NM_000297.4(PKD2):c.2422A>C (p.Ser808Arg)

Gene: PKD2 (polycystin 2, transient receptor potential cation channel; plus strand). Cytogenetic location: 4q22.1.
Variant type: single nucleotide variant.
Coding change: c.2422A>C on transcript NM_000297.4 (MANE Select); coding-DNA position 2422, A replaced by C.
Protein change: p.Ser808Arg; replaces serine 808 with arginine.
Molecular consequence: missense variant. On other transcripts: non-coding transcript variant (1).
Genome position (GRCh38, 1-based): chr4:88,067,961, A>C. VCF-style: chr4-88067961-A-C. GRCh37 (hg19) VCF-style: chr4-88989113-A-C.
Other names: c.2197A>C, p.Ser733Arg (NM_001440544.1); short protein forms S733R, S808R.
Identifiers: ClinVar variation 4742180 (VCV004742180.1).
Genomic context (GRCh38, chr4:88,067,961, plus strand): 5'-GACCTGGATTTGGATCACAGTTCTTTACCACGTCCCATGAGCAGCCGAAGTTTCCCTCGA[A>C]GCCTGGATGACTCTGAGGAGGATGACGATGAAGATAGCGGACATAGCTCCAGAAGGAGGG-3'
Protein context (NP_000288.1, residues 798-818): RPMSSRSFPR[Ser808Arg]LDDSEEDDDE